The following is an entry in ClinVar:

NM_022168.4(IFIH1):c.37T>A (p.Tyr13Asn)

Gene: IFIH1 (interferon induced with helicase C domain 1; minus strand). Cytogenetic location: 2q24.2.
Variant type: single nucleotide variant.
Coding change: c.37T>A on transcript NM_022168.4 (MANE Select); coding-DNA position 37, T replaced by A.
Protein change: p.Tyr13Asn; replaces tyrosine 13 with asparagine.
Molecular consequence: missense variant.
Genome position (GRCh38, 1-based): chr2:162,318,271, A>T on the plus strand (T>A on the coding strand, the complement: IFIH1 is on the minus strand). VCF-style: chr2-162318271-A-T. GRCh37 (hg19) VCF-style: chr2-163174781-A-T.
Other names: short protein forms Y13N.
Identifiers: ClinVar variation 1479329 (VCV001479329.6), dbSNP rs763796280, ClinGen allele CA1934902.

ClinVar aggregate classification (germline): Uncertain significance (1 of 4 stars; one submission).

Conditions:
Singleton-Merten syndrome 1 (SGMRT1). Also called: Syndrome of widened medullary cavities of the metacarpals and phalanges, aortic calcification and abnormal dentition; Widened medullary cavities of bone, aortic calcification, abnormal dentition, and muscular weakness. Identifiers: Orphanet 85191, MedGen C4225427, MONDO:0024535, OMIM 182250.
Aicardi-Goutieres syndrome 7 (AGS7). Identifiers: Orphanet 51, MedGen C3888244, MONDO:0014367, OMIM 615846.

Allele frequency attached by ClinVar (database versions not stated): TOPMed below 0.00001; ExAC 0.00001; gnomAD exomes 0.00001 and 0.00008.
gnomAD v4.1: 50 of 1,613,968 alleles (0.0031%); highest among the groups gnomAD compares: East Asian, 0.11%; no homozygotes.

Submission:

Labcorp Genetics (formerly Invitae), Labcorp
Classification: Uncertain significance for Aicardi-Goutieres syndrome 7; Singleton-Merten syndrome 1. Last evaluated: 2025-07-08. Review status: criteria provided, single submitter. Criteria: Invitae Variant Classification Sherloc (09022015). Collection method: clinical testing. Allele origin: germline.
Comment: This sequence change replaces tyrosine, which is neutral and polar, with asparagine, which is neutral and polar, at codon 13 of the IFIH1 protein (p.Tyr13Asn). This variant is present in population databases (rs763796280, gnomAD 0.006%). This variant has not been reported in the literature in individuals affected with IFIH1-related conditions. ClinVar contains an entry for this variant (Variation ID: 1479329). An algorithm developed to predict the effect of missense changes on protein structure and function outputs the following: PolyPhen-2: "Benign". The asparagine amino acid residue is found in multiple mammalian species, which suggests that this missense change does not adversely affect protein function. In summary, the available evidence is currently insufficient to determine the role of this variant in disease. Therefore, it has been classified as a Variant of Uncertain Significance.